The following is an entry in ClinVar:

ClinVar aggregate classification (germline): Conflicting classifications of pathogenicity. Review status: criteria provided, conflicting classifications (1 of 4 stars). 9 submissions from 9 submitters: Uncertain significance (6); Likely benign (1). 2 of the submissions do not count toward it. Last evaluated 2026-01-20.

Conditions:
Fanconi anemia (FA). Also called: Fanconi's anemia. Identifiers: Orphanet 84, MedGen C0015625, MeSH D005199, MONDO:0019391.
Fanconi anemia complementation group A (FANCA). Also called: Fanconi anemia, group A; FANCA-Related Fanconi Anemia. Identifiers: Orphanet 84, MedGen C3469521, MONDO:0009215, OMIM 227650.
FANCA-related disorder. Also called: FANCA-related condition.

Allele frequency attached by ClinVar (database versions not stated): gnomAD exomes 0.00001; gnomAD 0.00003; TOPMed 0.00004.
gnomAD v4.1: 64 of 1,551,092 alleles (0.0041%); highest among the groups gnomAD compares: East Asian, 0.037%; no homozygotes.

Submissions (9):

Labcorp Genetics (formerly Invitae), Labcorp
Classification: Uncertain significance for Fanconi anemia. Last evaluated: 2026-01-20. Review status: criteria provided, single submitter. Criteria: Invitae Variant Classification Sherloc (09022015). Collection method: clinical testing. Allele origin: germline.
Comment: This sequence change replaces alanine, which is neutral and non-polar, with threonine, which is neutral and polar, at codon 1334 of the FANCA protein (p.Ala1334Thr). This variant is present in population databases (no rsID available, gnomAD 0.003%). This variant has not been reported in the literature in individuals affected with FANCA-related conditions. ClinVar contains an entry for this variant (Variation ID: 623912). An algorithm developed to predict the effect of missense changes on protein structure and function outputs the following: PolyPhen-2: "Benign". The threonine amino acid residue is found in multiple mammalian species, which suggests that this missense change does not adversely affect protein function. In summary, the available evidence is currently insufficient to determine the role of this variant in disease. Therefore, it has been classified as a Variant of Uncertain Significance.

Quest Diagnostics Nichols Institute San Juan Capistrano
Classification: Uncertain significance. Last evaluated: 2025-06-18. Review status: criteria provided, single submitter. Criteria: Quest Diagnostics criteria. Collection method: clinical testing. Allele origin: unknown.
Comment: The FANCA c.4000G>A (p.Ala1334Thr) variant has been reported in the published literature in an individual with biliary tract cancer (PMID: 36072793 (2022)), and in reportedly unaffected individuals (PMID: 35884425 (2022)). The frequency of this variant in the general population (Genome Aggregation Database) is uninformative in the assessment of its pathogenicity. Analysis of this variant using bioinformatics tools for the prediction of the effect of amino acid changes on protein structure and function yielded conflicting predictions that this variant is benign or damaging. Based on the available information, we are unable to determine the clinical significance of this variant.

St. Jude Molecular Pathology, St. Jude Children's Research Hospital
Classification: Uncertain significance for Fanconi anemia complementation group A. Last evaluated: 2024-11-11. Review status: criteria provided, single submitter. Criteria: St. Jude Assertion Criteria 2020. Collection method: clinical testing. Allele origin: germline.
Comment: The FANCA c.4000G>A (p.Ala1334Thr) missense change has a maximum subpopulation frequency of 0.003% in gnomAD v2.1.1. The in silico tool REVEL is inconclusive about a pathogenic or benign effect of this variant on protein function, and to our knowledge functional studies have not been performed. To our knowledge, this variant has not been reported in individuals with Fanconi anemia. In summary, the evidence currently available is insufficient to determine the clinical significance of this variant. It has therefore been classified as of uncertain significance.

Blueprint Genetics
Classification: Likely benign. Last evaluated: 2024-03-28. Review status: criteria provided, single submitter. Criteria: ACMG Guidelines, 2015. Collection method: clinical testing. Allele origin: germline.

Fulgent Genetics
Classification: Uncertain significance for Fanconi anemia complementation group A. Last evaluated: 2024-01-17. Review status: criteria provided, single submitter. Criteria: ACMG Guidelines, 2015. Collection method: clinical testing. Allele origin: germline.

GeneDx
Classification: Uncertain significance. Last evaluated: 2022-05-24. Review status: criteria provided, single submitter. Criteria: GeneDx Variant Classification Process June 2021. Collection method: clinical testing. Allele origin: germline. Affected: yes.
Comment: Not observed at significant frequency in large population cohorts (gnomAD); In silico analysis supports that this missense variant has a deleterious effect on protein structure/function; Has not been previously published as pathogenic or benign to our knowledge

CeGaT Center for Human Genetics Tuebingen
Classification: Uncertain significance. Last evaluated: 2018-08-01. Review status: criteria provided, single submitter. Criteria: CeGaT Center For Human Genetics Tuebingen Variant Classification Criteria Version 2. Collection method: clinical testing. Allele origin: germline. Affected: yes. Observed: 1 variant allele.

PreventionGenetics, part of Exact Sciences
Classification: Uncertain significance for FANCA-related condition. Last evaluated: 2024-07-12. Review status: no assertion criteria provided. Collection method: clinical testing. Allele origin: germline. Not counted in ClinVar's aggregate classification.
Comment: The FANCA c.4000G>A variant is predicted to result in the amino acid substitution p.Ala1334Thr. To our knowledge, this variant has not been reported in the literature. This variant is reported in 0.0026% of alleles in individuals of European (Non-Finnish) descent in gnomAD and is classified as a variant of uncertain significance in ClinVar. Of note, in another species a threonine (Thr) is present at the Ala1334 residue. At this time, the clinical significance of this variant is uncertain due to the absence of conclusive functional and genetic evidence.

Natera, Inc.
Classification: Uncertain significance for Fanconi anemia. Last evaluated: 2020-12-03. Review status: no assertion criteria provided. Collection method: clinical testing. Allele origin: germline. Not counted in ClinVar's aggregate classification.

Literature cited by the submitters: PubMed 35884425 (cited by Quest Diagnostics Nichols Institute San Juan Capistrano); PubMed 36072793 (cited by Quest Diagnostics Nichols Institute San Juan Capistrano); PubMed 32620917 (cited by Quest Diagnostics Nichols Institute San Juan Capistrano).

NM_000135.4(FANCA):c.4000G>A (p.Ala1334Thr)

Genes: ZNF276 (zinc finger protein 276; plus strand), FANCA (FA complementation group A; minus strand). Cytogenetic location: 16q24.3.
Variant type: single nucleotide variant.
Coding change: c.4000G>A on transcript NM_000135.4 (MANE Select); coding-DNA position 4000, G replaced by A.
Protein change: p.Ala1334Thr; replaces alanine 1334 with threonine.
Molecular consequence: missense variant. On other transcripts: 3 prime UTR variant (2), non-coding transcript variant (4).
Genome position (GRCh38, 1-based): chr16:89,739,488, C>T on the plus strand (G>A on the coding strand, the complement: FANCA is on the minus strand). VCF-style: chr16-89739488-C-T. GRCh37 (hg19) VCF-style: chr16-89805896-C-T.
Other names: c.4000G>A, p.Ala1334Thr (NM_001286167.3); c.*1242C>T (NM_001113525.2, NM_152287.4); c.4000G>A (NM_000135.3); short protein forms A1334T.
Identifiers: ClinVar variation 623912 (VCV000623912.55), dbSNP rs925649874, ClinGen allele CA286614884.